The following is an entry in ClinVar:

NM_001927.4(DES):c.226A>T (p.Thr76Ser)

Gene: DES (desmin; plus strand). Cytogenetic location: 2q35.
Variant type: single nucleotide variant.
Coding change: c.226A>T on transcript NM_001927.4 (MANE Select); coding-DNA position 226, A replaced by T.
Protein change: p.Thr76Ser; replaces threonine 76 with serine.
Molecular consequence: missense variant.
Genome position (GRCh38, 1-based): chr2:219,418,688, A>T. VCF-style: chr2-219418688-A-T. GRCh37 (hg19) VCF-style: chr2-220283410-A-T.
Other names: c.226A>T, p.Thr76Ser (NM_001382708.1, NM_001382709.1, NM_001382710.1 and 3 more transcripts); short protein forms T76S.
Identifiers: ClinVar variation 3501198 (VCV003501198.1).
Genomic context (GRCh38, chr2:219,418,688, plus strand): 5'-GTGTCGCGCACGTCGGGCGGGGCCGGGGGCCTGGGGTCGCTGCGGGCCAGCCGGCTGGGG[A>T]CCACCCGCACGCCCTCCTCCTACGGCGCAGGCGAGCTGCTGGACTTCTCACTGGCCGACG-3'
Protein context (NP_001918.3, residues 66-86): LGSLRASRLG[Thr76Ser]TRTPSSYGAG

ClinVar aggregate classification (germline): Uncertain significance (1 of 4 stars; one submission).

Conditions:
Cardiovascular phenotype. Identifiers: MedGen CN230736.

Submission:

Ambry Genetics
Classification: Uncertain significance for Cardiovascular phenotype. Last evaluated: 2024-10-21. Review status: criteria provided, single submitter. Criteria: Ambry Variant Classification Scheme 2023. Collection method: clinical testing. Allele origin: germline.
Comment: The p.T76S variant (also known as c.226A>T), located in coding exon 1 of the DES gene, results from an A to T substitution at nucleotide position 226. The threonine at codon 76 is replaced by serine, an amino acid with similar properties. This amino acid position is conserved. In addition, this alteration is predicted to be tolerated by in silico analysis. Based on the available evidence, the clinical significance of this variant remains unclear.